The following is an entry in ClinVar:

NM_025233.7(COASY):c.1357C>G (p.Arg453Gly)

Gene: COASY (Coenzyme A synthase; plus strand). Cytogenetic location: 17q21.2.
Variant type: single nucleotide variant.
Coding change: c.1357C>G on transcript NM_025233.7 (MANE Select); coding-DNA position 1357, C replaced by G.
Protein change: p.Arg453Gly; replaces arginine 453 with glycine.
Molecular consequence: missense variant.
Genome position (GRCh38, 1-based): chr17:42,565,281, C>G. VCF-style: chr17-42565281-C-G. GRCh37 (hg19) VCF-style: chr17-40717299-C-G.
Other names: c.1357C>G, p.Arg453Gly (NM_001042529.3); c.1444C>G, p.Arg482Gly (NM_001042532.4); short protein forms R482G, R453G.
Identifiers: ClinVar variation 2056314 (VCV002056314.5), dbSNP rs200491699, ClinGen allele CA8578293.
Genomic context (GRCh38, chr17:42,565,281, plus strand): 5'-CCCCAGAAGCAGCTGAAGATACTCACGGACATTATGTGGCCAATTATCGCAAAGCTGGCC[C>G]GAGAGGAGATGGATCGGGCTGTGGCTGAGGGTGAGTGGGAGGGAGGATGGCAACAGCTAA-3'
Protein context (NP_079509.5, residues 443-463): IMWPIIAKLA[Arg453Gly]EEMDRAVAEG

ClinVar aggregate classification (germline): Uncertain significance. Review status: criteria provided, multiple submitters, no conflicts (2 of 4 stars). 2 submissions from 2 submitters: Uncertain significance (2). Last evaluated 2024-06-26.

Conditions:
Neurodegeneration with brain iron accumulation 6 (NBIA6). Also called: COASY protein-associated neurodegeneration. Identifiers: Orphanet 397725, MedGen C4517377, MONDO:0014290, OMIM 615643.

Allele frequency attached by ClinVar (database versions not stated): 1000 Genomes Project 30x 0.00016; 1000 Genomes Project 0.00020.
gnomAD v4.1: 69 of 1,614,086 alleles (0.0043%); highest among the groups gnomAD compares: Non-Finnish European, 0.0055%; no homozygotes.

Submissions (2):

Labcorp Genetics (formerly Invitae), Labcorp
Classification: Uncertain significance for Neurodegeneration with brain iron accumulation 6. Last evaluated: 2024-06-26. Review status: criteria provided, single submitter. Criteria: Invitae Variant Classification Sherloc (09022015). Collection method: clinical testing. Allele origin: germline.
Comment: This sequence change replaces arginine, which is basic and polar, with glycine, which is neutral and non-polar, at codon 453 of the COASY protein (p.Arg453Gly). This variant is present in population databases (rs200491699, gnomAD 0.006%). This variant has not been reported in the literature in individuals affected with COASY-related conditions. ClinVar contains an entry for this variant (Variation ID: 2056314). Advanced modeling of protein sequence and biophysical properties (such as structural, functional, and spatial information, amino acid conservation, physicochemical variation, residue mobility, and thermodynamic stability) performed at Invitae indicates that this missense variant is not expected to disrupt COASY protein function with a negative predictive value of 80%. In summary, the available evidence is currently insufficient to determine the role of this variant in disease. Therefore, it has been classified as a Variant of Uncertain Significance.

Ambry Genetics
Classification: Uncertain significance. Last evaluated: 2022-12-05. Review status: criteria provided, single submitter. Criteria: Ambry Variant Classification Scheme 2023. Collection method: clinical testing. Allele origin: germline.